The following is an entry in ClinVar:

NM_000512.5(GALNS):c.758+4A>T

Gene: GALNS (galactosamine (N-acetyl)-6-sulfatase; minus strand). Cytogenetic location: 16q24.3.
Variant type: single nucleotide variant.
Coding change: c.758+4A>T on transcript NM_000512.5 (MANE Select); 4 bases into the intron after coding-DNA position 758, A replaced by T.
Molecular consequence: intron variant.
Genome position (GRCh38, 1-based): chr16:88,835,721, T>A on the plus strand (A>T on the coding strand, the complement: GALNS is on the minus strand). VCF-style: chr16-88835721-T-A. GRCh37 (hg19) VCF-style: chr16-88902129-T-A.
Other names: c.203+4A>T (NM_001323543.2); c.776+4A>T (NM_001323544.2).
Identifiers: ClinVar variation 1048295 (VCV001048295.3), dbSNP rs2143001351, ClinGen allele CA2499223753.

ClinVar aggregate classification (germline): Uncertain significance (1 of 4 stars; one submission).

Conditions:
Mucopolysaccharidosis, MPS-IV-A (MPS4A). Also called: Mucopolysaccharidosis type IV A; Mucopolysaccharidosis Type IVA; Morquio syndrome A, mild; MORQUIO SYNDROME A; MPS IVA; mucopolysaccharidosis type 4A. Identifiers: Orphanet 309297, Orphanet 582, MedGen C0086651, MONDO:0009659, OMIM 253000.

Submission:

Laboratory of Diagnosis and Therapy of Lysosomal Disorders, University of Padova
Classification: Uncertain significance for Mucopolysaccharidosis, MPS-IV-A. Last evaluated: 2021-02-01. Review status: criteria provided, single submitter. Criteria: ACMG Guidelines, 2015. Collection method: curation. Allele origin: germline. Affected: yes.
Comment: Absent from gnomAD v2.1.1 (PM2_moderate)

Literature cited by the submitters: PubMed 24726177; PubMed 34387910.